The following is an entry in ClinVar:

ClinVar aggregate classification (germline): Uncertain significance. Review status: criteria provided, multiple submitters, no conflicts (2 of 4 stars). 2 submissions from 2 submitters: Uncertain significance (2). Last evaluated 2024-04-09.

Conditions:
Giant axonal neuropathy 1 (GAN1). Also called: GIANT AXONAL NEUROPATHY 1, AUTOSOMAL RECESSIVE; GAN-Related Neurodegeneration. Identifiers: Orphanet 643, MedGen C1850386, MONDO:0009749, OMIM 256850.
Inborn genetic diseases. Identifiers: MedGen C0950123, MeSH D030342.

Allele frequency attached by ClinVar (database versions not stated): gnomAD 0.00001; ExAC 0.00002; TOPMed 0.00003; ESP Exome Variant Server 0.00008.
gnomAD v4.1: 11 of 1,614,010 alleles (0.00068%); highest among the groups gnomAD compares: East Asian, 0.0022%; no homozygotes.

Submissions (2):

Ambry Genetics
Classification: Uncertain significance for Inborn genetic diseases. Last evaluated: 2024-04-09. Review status: criteria provided, single submitter. Criteria: Ambry Variant Classification Scheme 2023. Collection method: clinical testing. Allele origin: germline.

Labcorp Genetics (formerly Invitae), Labcorp
Classification: Uncertain significance for Giant axonal neuropathy 1. Last evaluated: 2021-12-21. Review status: criteria provided, single submitter. Criteria: Invitae Variant Classification Sherloc (09022015). Collection method: clinical testing. Allele origin: germline.
Comment: In summary, the available evidence is currently insufficient to determine the role of this variant in disease. Therefore, it has been classified as a Variant of Uncertain Significance. Algorithms developed to predict the effect of missense changes on protein structure and function are either unavailable or do not agree on the potential impact of this missense change (SIFT: "Deleterious"; PolyPhen-2: "Probably Damaging"; Align-GVGD: "Class C0"). This variant has not been reported in the literature in individuals affected with GAN-related conditions. This variant is present in population databases (rs372133850, gnomAD 0.003%). This sequence change replaces arginine, which is basic and polar, with cysteine, which is neutral and slightly polar, at codon 591 of the GAN protein (p.Arg591Cys).

NM_022041.4(GAN):c.1771C>T (p.Arg591Cys)

Gene: GAN (gigaxonin; plus strand). Cytogenetic location: 16q23.2.
Variant type: single nucleotide variant.
Coding change: c.1771C>T on transcript NM_022041.4 (MANE Select); coding-DNA position 1771, C replaced by T.
Protein change: p.Arg591Cys; replaces arginine 591 with cysteine.
Molecular consequence: missense variant.
Genome position (GRCh38, 1-based): chr16:81,377,573, C>T. VCF-style: chr16-81377573-C-T. GRCh37 (hg19) VCF-style: chr16-81411178-C-T.
Other names: c.1132C>T, p.Arg378Cys (NM_001377486.1); short protein forms R378C, R591C.
Identifiers: ClinVar variation 1979582 (VCV001979582.5), dbSNP rs372133850, ClinGen allele CA8191882.